The following is an entry in ClinVar:

ClinVar aggregate classification (germline): Pathogenic (1 of 4 stars; one submission).

Conditions:
Granulomatous disease, chronic, X-linked. Also called: CYTOCHROME b-NEGATIVE GRANULOMATOUS DISEASE, CHRONIC, X-LINKED; GRANULOMATOUS DISEASE, CHRONIC, X-LINKED, SOMATIC MOSAIC. Identifiers: Orphanet 379, MedGen C1844376, MONDO:0010600, OMIM 306400.

Submission:

Pele Pequeno Principe Research Institute, Faculdades Pequeno Principe
Classification: Pathogenic for Granulomatous disease, chronic, X-linked. Last evaluated: 2025-12-01. Review status: criteria provided, single submitter. Criteria: ACMG Guidelines, 2015. Collection method: research. Allele origin: germline. Inheritance: X-linked inheritance. Affected: yes. Observed: 1 hemizygote.
Comment: The CYBB:c.T769A:p.C257S (GRCh38 - chrX:37799049 T>A) variant consists of a single-nucleotide substitution of timine (T) to a adenine (A), resulting in the predicted protein change (p.C257S). According to the Genome Aggregation Database (gnomAD), this variant is absent from population datasets (PM2). In silico prediction supports that this missense variant has a deleterious effect on protein structure/function (PP3). A different amino acid change causes known pathogenic variant (c.T769C:p.C257A; ClinVar ID: 1504925/ Accession: VCV001504925.7) (PM5). Functional evaluation by DHR test using phorbol myrisate acetate stimulated cells indicates that the variant leads to impaired NAPDH-oxidase activity (PS3). Based on the collective evidence, the c.T769A variant is classified as pathogenic for Chronic granulomatous disease.

NM_000397.4(CYBB):c.769T>A (p.Cys257Ser)

Gene: CYBB (cytochrome b-245 beta chain; plus strand). Cytogenetic location: Xp21.1.
Variant type: single nucleotide variant.
Coding change: c.769T>A on transcript NM_000397.4 (MANE Select); coding-DNA position 769, T replaced by A.
Protein change: p.Cys257Ser; replaces cysteine 257 with serine.
Molecular consequence: missense variant.
Genome position (GRCh38, 1-based): chrX:37,799,049, T>A. VCF-style: chrX-37799049-T-A. GRCh37 (hg19) VCF-style: chrX-37658302-T-A.
Other names: short protein forms C257S.
Identifiers: ClinVar variation 4536621 (VCV004536621.1).